The following is an entry in ClinVar:

NM_014633.5(CTR9):c.1787C>G (p.Ser596Cys)

Gene: CTR9 (CTR9 component of Paf1/RNA polymerase II complex; plus strand). Cytogenetic location: 11p15.4.
Variant type: single nucleotide variant.
Coding change: c.1787C>G on transcript NM_014633.5 (MANE Select); coding-DNA position 1787, C replaced by G.
Protein change: p.Ser596Cys; replaces serine 596 with cysteine.
Molecular consequence: missense variant.
Genome position (GRCh38, 1-based): chr11:10,767,906, C>G. VCF-style: chr11-10767906-C-G. GRCh37 (hg19) VCF-style: chr11-10789453-C-G.
Other names: c.1787C>G, p.Ser596Cys (NM_001346279.2); short protein forms S596C.
Identifiers: ClinVar variation 2854942 (VCV002854942.3), dbSNP rs751776172, ClinGen allele CA5885175.
Genomic context (GRCh38, chr11:10,767,906, plus strand): 5'-TGGCAAAACAAGAATGGGGTCCTGGGCAGAAGAAGTTTGAGAGGATATTAAAACAGCCAT[C>G]CACACAGAGTGATACCTATTCTATGCTAGCCCTTGGCAACGTGTGGCTCCAAACTTTACA-3'
Protein context (NP_055448.1, residues 586-606): KKFERILKQP[Ser596Cys]TQSDTYSMLA

ClinVar aggregate classification (germline): Uncertain significance (1 of 4 stars; one submission).

Allele frequency attached by ClinVar (database versions not stated): ExAC 0.00001.
gnomAD v4.1: 1 of 1,614,086 alleles (0.000062%); highest among the groups gnomAD compares: East Asian, 0.0022%; no homozygotes.

Submission:

Labcorp Genetics (formerly Invitae), Labcorp
Classification: Uncertain significance. Last evaluated: 2023-04-11. Review status: criteria provided, single submitter. Criteria: Invitae Variant Classification Sherloc (09022015). Collection method: clinical testing. Allele origin: germline.
Comment: In summary, the available evidence is currently insufficient to determine the role of this variant in disease. Therefore, it has been classified as a Variant of Uncertain Significance. An algorithm developed to predict the effect of missense changes on protein structure and function (PolyPhen-2) suggests that this variant is likely to be disruptive. This variant has not been reported in the literature in individuals affected with CTR9-related conditions. This variant is present in population databases (rs751776172, gnomAD 0.006%). This sequence change replaces serine, which is neutral and polar, with cysteine, which is neutral and slightly polar, at codon 596 of the CTR9 protein (p.Ser596Cys).